The following is an entry in ClinVar:

NM_052945.4(TNFRSF13C):c.497C>T (p.Thr166Ile)

Gene: TNFRSF13C (TNF receptor superfamily member 13C; minus strand). Cytogenetic location: 22q13.2.
Variant type: single nucleotide variant.
Coding change: c.497C>T on transcript NM_052945.4 (MANE Select); coding-DNA position 497, C replaced by T.
Protein change: p.Thr166Ile; replaces threonine 166 with isoleucine.
Molecular consequence: missense variant.
Genome position (GRCh38, 1-based): chr22:41,925,425, G>A on the plus strand (C>T on the coding strand, the complement: TNFRSF13C is on the minus strand). VCF-style: chr22-41925425-G-A. GRCh37 (hg19) VCF-style: chr22-42321429-G-A.
Other names: short protein forms T166I.
Identifiers: ClinVar variation 1470403 (VCV001470403.8), dbSNP rs1185675031, ClinGen allele CA411762362.

ClinVar aggregate classification (germline): Uncertain significance (1 of 4 stars; one submission).

Conditions:
Immunodeficiency, common variable, 4. Also called: ANTIBODY DEFICIENCY DUE TO BAFFR DEFECT. Identifiers: Orphanet 1572, Orphanet 696925, MedGen C3150739, MONDO:0013284, OMIM 613494.

Allele frequency attached by ClinVar (database versions not stated): gnomAD exomes below 0.00001.
gnomAD v4.1: 2 of 1,611,406 alleles (0.00012%); highest among the groups gnomAD compares: South Asian, 0.0011%; no homozygotes.

Submission:

Labcorp Genetics (formerly Invitae), Labcorp
Classification: Uncertain significance for Immunodeficiency, common variable, 4. Last evaluated: 2021-06-22. Review status: criteria provided, single submitter. Criteria: Invitae Variant Classification Sherloc (09022015). Collection method: clinical testing. Allele origin: germline.
Comment: In summary, the available evidence is currently insufficient to determine the role of this variant in disease. Therefore, it has been classified as a Variant of Uncertain Significance. Algorithms developed to predict the effect of missense changes on protein structure and function (SIFT, PolyPhen-2, Align-GVGD) all suggest that this variant is likely to be disruptive, but these predictions have not been confirmed by published functional studies and their clinical significance is uncertain. This variant has not been reported in the literature in individuals with TNFRSF13C-related conditions. This variant is not present in population databases (ExAC no frequency). This sequence change replaces threonine with isoleucine at codon 166 of the TNFRSF13C protein (p.Thr166Ile). The threonine residue is highly conserved and there is a moderate physicochemical difference between threonine and isoleucine.